The following is an entry in ClinVar:

NM_004928.3(CFAP410):c.623C>T (p.Ser208Leu)

Gene: CFAP410 (cilia and flagella associated protein 410; minus strand). Cytogenetic location: 21q22.3.
Variant type: single nucleotide variant.
Coding change: c.623C>T on transcript NM_004928.3 (MANE Select); coding-DNA position 623, C replaced by T.
Protein change: p.Ser208Leu; replaces serine 208 with leucine.
Molecular consequence: missense variant.
Genome position (GRCh38, 1-based): chr21:44,330,842, G>A on the plus strand (C>T on the coding strand, the complement: CFAP410 is on the minus strand). VCF-style: chr21-44330842-G-A. GRCh37 (hg19) VCF-style: chr21-45750725-G-A.
Other names: c.620C>T, p.Ser207Leu (NM_001271440.2, NM_001271441.2); c.497C>T, p.Ser166Leu (NM_001271442.1); short protein forms S207L, S166L, S208L.
Identifiers: ClinVar variation 786978 (VCV000786978.14), dbSNP rs148023924, ClinGen allele CA10053584.

ClinVar aggregate classification (germline): Benign/Likely benign. Review status: criteria provided, multiple submitters, no conflicts (2 of 4 stars). 3 submissions from 3 submitters: Benign (1); Likely benign (1). 1 of the submissions does not count toward it. Last evaluated 2025-12-28.

Conditions:
CFAP410-related disorder. Also called: CFAP410-related condition.

Allele frequency attached by ClinVar (database versions not stated): gnomAD exomes 0.00062; ExAC 0.00133; ESP Exome Variant Server 0.00177; gnomAD 0.00206 and 0.00219; TOPMed 0.00216; 1000 Genomes Project 0.00240; 1000 Genomes Project 30x 0.00250.
gnomAD v4.1: 750 of 1,605,484 alleles (0.047%); highest among the groups gnomAD compares: African/African-American, 0.74%; 3 homozygotes.

Submissions (3):

Labcorp Genetics (formerly Invitae), Labcorp
Classification: Benign. Last evaluated: 2025-12-28. Review status: criteria provided, single submitter. Criteria: Invitae Variant Classification Sherloc (09022015). Collection method: clinical testing. Allele origin: germline.

Blueprint Genetics
Classification: Likely benign. Last evaluated: 2024-07-11. Review status: criteria provided, single submitter. Criteria: ACMG Guidelines, 2015. Collection method: clinical testing. Allele origin: germline.

PreventionGenetics, part of Exact Sciences
Classification: Likely benign for CFAP410-related condition. Last evaluated: 2019-07-30. Review status: no assertion criteria provided. Collection method: clinical testing. Allele origin: germline. Not counted in ClinVar's aggregate classification.
Comment: This variant is classified as likely benign based on ACMG/AMP sequence variant interpretation guidelines (Richards et al. 2015 PMID: 25741868, with internal and published modifications).